The following is an entry in ClinVar:

ClinVar aggregate classification (germline): Benign/Likely benign. Review status: criteria provided, multiple submitters, no conflicts (2 of 4 stars). 4 submissions from 4 submitters: Benign (1); Likely benign (2). 1 of the submissions does not count toward it. Last evaluated 2026-06-01.

Conditions:
Inborn genetic diseases. Identifiers: MedGen C0950123, MeSH D030342.
Charcot-Marie-Tooth disease. Also called: Charcot-Marie-Tooth Neuropathy; Charcot-Marie-Tooth Hereditary Neuropathy. Identifiers: Orphanet 166, MedGen C0007959, MONDO:0015626.
Charcot-Marie-Tooth Neuropathy X. Identifiers: MedGen CN118851.

Allele frequency attached by ClinVar (database versions not stated): gnomAD 0.00001; TOPMed 0.00001; gnomAD exomes 0.00002 and 0.00007; ExAC 0.00013.
gnomAD v4.1: 26 of 1,202,544 alleles (0.0022%); highest among the groups gnomAD compares: South Asian, 0.038%; no homozygotes.

Submissions (4):

CeGaT Center for Human Genetics Tuebingen
Classification: Likely benign. Last evaluated: 2026-06-01. Review status: criteria provided, single submitter. Criteria: CeGaT Center For Human Genetics Tuebingen Variant Classification Criteria Version 2. Collection method: clinical testing. Allele origin: germline. Affected: yes. Observed: 1 variant allele.
Comment: GJB1: BS2

Ambry Genetics
Classification: Likely benign for Inborn genetic diseases. Last evaluated: 2025-08-23. Review status: criteria provided, single submitter. Criteria: Ambry Variant Classification Scheme 2023. Collection method: clinical testing. Allele origin: germline.

Labcorp Genetics (formerly Invitae), Labcorp
Classification: Benign for Charcot-Marie-Tooth Neuropathy X. Last evaluated: 2023-10-08. Review status: criteria provided, single submitter. Criteria: Invitae Variant Classification Sherloc (09022015). Collection method: clinical testing. Allele origin: germline.

Natera, Inc.
Classification: Benign for Charcot-Marie-Tooth disease. Last evaluated: 2020-02-18. Review status: no assertion criteria provided. Collection method: clinical testing. Allele origin: germline. Not counted in ClinVar's aggregate classification.

NM_000166.6(GJB1):c.442G>A (p.Val148Ile)

Gene: GJB1 (gap junction protein beta 1; plus strand). Cytogenetic location: Xq13.1.
Variant type: single nucleotide variant.
Coding change: c.442G>A on transcript NM_000166.6 (MANE Select); coding-DNA position 442, G replaced by A.
Protein change: p.Val148Ile; replaces valine 148 with isoleucine.
Molecular consequence: missense variant.
Genome position (GRCh38, 1-based): chrX:71,224,149, G>A. VCF-style: chrX-71224149-G-A. GRCh37 (hg19) VCF-style: chrX-70443999-G-A.
Other names: c.442G>A, p.Val148Ile (NM_001097642.3); c.442G>A (NM_000166.5); short protein forms V148I.
Identifiers: ClinVar variation 1168253 (VCV001168253.13), dbSNP rs775956201, ClinGen allele CA10445302.
Genomic context (GRCh38, chrX:71,224,149, plus strand): 5'-TCAGGGACACTGTGGTGGACCTATGTCATCAGCGTGGTGTTCCGGCTGTTGTTTGAGGCC[G>A]TCTTCATGTATGTCTTTTATCTGCTCTACCCTGGCTATGCCATGGTGCGGCTGGTCAAGT-3'
Protein context (NP_000157.1, residues 138-158): SVVFRLLFEA[Val148Ile]FMYVFYLLYP